The following is an entry in ClinVar:

ClinVar aggregate classification (germline): Uncertain significance (1 of 4 stars; one submission).

Conditions:
Dilated cardiomyopathy 1J (CMD1J). Also called: CARDIOMYOPATHY, DILATED, WITH SENSORINEURAL HEARING LOSS, AUTOSOMAL DOMINANT. Identifiers: Orphanet 217622, MedGen C1854368, MONDO:0011541, OMIM 605362.

gnomAD v4.1: 1 of 1,611,902 alleles (0.000062%); highest among the groups gnomAD compares: Non-Finnish European, 0.000085%; no homozygotes.

Submission:

Labcorp Genetics (formerly Invitae), Labcorp
Classification: Uncertain significance for Dilated cardiomyopathy 1J. Last evaluated: 2025-01-29. Review status: criteria provided, single submitter. Criteria: Invitae Variant Classification Sherloc (09022015). Collection method: clinical testing. Allele origin: germline.
Comment: This sequence change replaces methionine, which is neutral and non-polar, with valine, which is neutral and non-polar, at codon 412 of the EYA4 protein (p.Met412Val). This variant is not present in population databases (gnomAD no frequency). This variant has not been reported in the literature in individuals affected with EYA4-related conditions. Invitae Evidence Modeling of protein sequence and biophysical properties (such as structural, functional, and spatial information, amino acid conservation, physicochemical variation, residue mobility, and thermodynamic stability) indicates that this missense variant is not expected to disrupt EYA4 protein function with a negative predictive value of 80%. In summary, the available evidence is currently insufficient to determine the role of this variant in disease. Therefore, it has been classified as a Variant of Uncertain Significance.

NM_004100.5(EYA4):c.1234A>G (p.Met412Val)

Genes: EYA4 (EYA transcriptional coactivator and phosphatase 4; plus strand), TARID (TCF21 antisense RNA inducing promoter demethylation; minus strand), LOC126859796 (MED14-independent group 3 enhancer GRCh37_chr6:133826289-133827488; plus strand). Cytogenetic location: 6q23.2.
Variant type: single nucleotide variant.
Coding change: c.1234A>G on transcript NM_004100.5 (MANE Select); coding-DNA position 1234, A replaced by G.
Protein change: p.Met412Val; replaces methionine 412 with valine.
Molecular consequence: missense variant. On other transcripts: non-coding transcript variant (1).
Genome position (GRCh38, 1-based): chr6:133,506,148, A>G. VCF-style: chr6-133506148-A-G. GRCh37 (hg19) VCF-style: chr6-133827286-A-G.
Other names: c.1072A>G, p.Met358Val (NM_001301012.2); c.1252A>G, p.Met418Val (NM_001301013.2); c.1165A>G, p.Met389Val (NM_001370458.1, NM_172103.4); c.1090A>G, p.Met364Val (NM_001370459.1); c.1234A>G, p.Met412Val (NM_172105.4); short protein forms M418V, M358V, M389V, M364V, M412V.
Identifiers: ClinVar variation 3679782 (VCV003679782.2).